The following is an entry in ClinVar:

NM_004656.4(BAP1):c.2076G>A (p.Val692=)

Gene: BAP1 (BRCA1 associated deubiquitinase 1; minus strand). Cytogenetic location: 3p21.1.
Variant type: single nucleotide variant.
Coding change: c.2076G>A on transcript NM_004656.4 (MANE Select); coding-DNA position 2076, G replaced by A.
Protein change: p.Val692=; no amino-acid change (valine 692 retained).
Molecular consequence: synonymous variant.
Genome position (GRCh38, 1-based): chr3:52,402,402, C>T on the plus strand (G>A on the coding strand, the complement: BAP1 is on the minus strand). VCF-style: chr3-52402402-C-T. GRCh37 (hg19) VCF-style: chr3-52436418-C-T.
Identifiers: ClinVar variation 485245 (VCV000485245.32), dbSNP rs747712653, ClinGen allele CA2436594.

ClinVar aggregate classification (germline): Conflicting classifications of pathogenicity. Review status: criteria provided, conflicting classifications (1 of 4 stars). 10 submissions from 10 submitters: Uncertain significance (1); Benign (2); Likely benign (7). Last evaluated 2026-02-03.

Conditions:
Hereditary cancer-predisposing syndrome. Also called: Hereditary neoplastic syndrome; Neoplastic Syndromes, Hereditary; Hereditary Cancer Syndrome; Tumor predisposition. Identifiers: Orphanet 140162, MedGen C0027672, MeSH D009386, MONDO:0015356.
BAP1-related tumor predisposition syndrome (TPDS1). Also called: BAP1 tumor predisposition syndrome; COMMON Syndrome; TUMOR PREDISPOSITION SYNDROME 1; Tumor susceptibility linked to germline BAP1 mutations. Identifiers: Orphanet 289539, MedGen C3280492, MONDO:0013692, OMIM 614327.

Allele frequency attached by ClinVar (database versions not stated): gnomAD 0.00002; gnomAD exomes 0.00002; ExAC 0.00003; TOPMed 0.00005.
gnomAD v4.1: 25 of 1,568,114 alleles (0.0016%); highest among the groups gnomAD compares: Non-Finnish European, 0.0022%; no homozygotes.

Submissions (10):

Labcorp Genetics (formerly Invitae), Labcorp
Classification: Likely benign for BAP1-related tumor predisposition syndrome. Last evaluated: 2026-02-03. Review status: criteria provided, single submitter. Criteria: Invitae Variant Classification Sherloc (09022015). Collection method: clinical testing. Allele origin: germline.

CeGaT Center for Human Genetics Tuebingen
Classification: Likely benign. Last evaluated: 2025-10-01. Review status: criteria provided, single submitter. Criteria: CeGaT Center For Human Genetics Tuebingen Variant Classification Criteria Version 2. Collection method: clinical testing. Allele origin: germline. Affected: yes. Observed: 2 variant alleles.
Comment: BAP1: BP4, BS4

Quest Diagnostics Nichols Institute San Juan Capistrano
Classification: Uncertain significance. Last evaluated: 2025-04-25. Review status: criteria provided, single submitter. Criteria: Quest Diagnostics criteria. Collection method: clinical testing. Allele origin: unknown.
Comment: The BAP1 c.2076G>A (p.Val692=) synonymous variant has not been reported in individuals with BAP1-related conditions in the published literature. The frequency of this variant in the general population (Genome Aggregation Database) is uninformative in the assessment of its pathogenicity. Analysis of this variant using software algorithms for the prediction of the effect of nucleotide changes on splicing yielded predictions that this variant does not affect BAP1 mRNA splicing. Based on the available information, we are unable to determine the clinical significance of this variant.

KCCC/NGS Laboratory, Kuwait Cancer Control Center
Classification: Benign for BAP1-related tumor predisposition syndrome. Last evaluated: 2025-02-01. Review status: criteria provided, single submitter. Criteria: ACMG Guidelines, 2015. Collection method: clinical testing. Allele origin: germline. Affected: no.

Myriad Genetics, Inc.
Classification: Benign for BAP1-related tumor predisposition syndrome. Last evaluated: 2024-07-18. Review status: criteria provided, single submitter. Criteria: Myriad Autosomal Dominant, Autosomal Recessive and X-Linked Classification Criteria (2023). Collection method: clinical testing. Allele origin: unknown.
Comment: This variant is considered benign. This variant is a silent/synonymous amino acid change and it is not expected to impact splicing.

GeneDx
Classification: Likely benign. Last evaluated: 2021-10-18. Review status: criteria provided, single submitter. Criteria: GeneDx Variant Classification Process June 2021. Collection method: clinical testing. Allele origin: germline. Affected: yes.

Blueprint Genetics
Classification: Likely benign. Last evaluated: 2021-03-12. Review status: criteria provided, single submitter. Criteria: ACMG Guidelines, 2015. Collection method: clinical testing. Allele origin: germline.

Mendelics
Classification: Likely benign for Tumor susceptibility linked to germline BAP1 mutations. Last evaluated: 2018-07-02. Review status: criteria provided, single submitter. Criteria: Mendelics Assertion Criteria 2017. Collection method: clinical testing. Allele origin: unknown.

Color Diagnostics, LLC DBA Color Health
Classification: Likely benign for Hereditary cancer-predisposing syndrome. Last evaluated: 2017-08-20. Review status: criteria provided, single submitter. Criteria: ACMG Guidelines, 2015. Collection method: clinical testing. Allele origin: germline.

Ambry Genetics
Classification: Likely benign for Hereditary cancer-predisposing syndrome. Last evaluated: 2016-01-15. Review status: criteria provided, single submitter. Criteria: Ambry Variant Classification Scheme 2023. Collection method: clinical testing. Allele origin: germline.